The following is an entry in ClinVar:

ClinVar aggregate classification (germline): Uncertain significance (1 of 4 stars; one submission).

Submission:

GeneDx
Classification: Uncertain significance. Last evaluated: 2026-03-27. Review status: criteria provided, single submitter. Criteria: GeneDx Variant Classification Process June 2021. Collection method: clinical testing. Allele origin: germline.
Comment: Not observed at significant frequency in large population cohorts (gnomAD); In silico analysis supports that this missense variant has a deleterious effect on protein structure/function; Has not been previously published as pathogenic or benign to our knowledge

NM_022841.7(RFX7):c.427C>G (p.His143Asp)

Gene: RFX7 (regulatory factor X7; minus strand). Cytogenetic location: 15q21.3.
Variant type: single nucleotide variant.
Coding change: c.427C>G on transcript NM_022841.7 (MANE Select); coding-DNA position 427, C replaced by G.
Protein change: p.His143Asp; replaces histidine 143 with aspartic acid.
Molecular consequence: missense variant.
Genome position (GRCh38, 1-based): chr15:56,103,645, G>C on the plus strand (C>G on the coding strand, the complement: RFX7 is on the minus strand). VCF-style: chr15-56103645-G-C. GRCh37 (hg19) VCF-style: chr15-56395843-G-C.
Other names: c.136C>G, p.His46Asp (NM_001368073.2, NM_001368074.1, NM_001370554.1); c.427C>G, p.His143Asp (NM_001370561.1); short protein forms H143D, H46D.
Identifiers: ClinVar variation 3777485 (VCV003777485.2).